The following is an entry in ClinVar:

NM_021625.5(TRPV4):c.1590A>C (p.Lys530Asn)

Gene: TRPV4 (transient receptor potential cation channel subfamily V member 4; minus strand). Cytogenetic location: 12q24.11.
Variant type: single nucleotide variant.
Coding change: c.1590A>C on transcript NM_021625.5 (MANE Select); coding-DNA position 1590, A replaced by C.
Protein change: p.Lys530Asn; replaces lysine 530 with asparagine.
Molecular consequence: missense variant.
Genome position (GRCh38, 1-based): chr12:109,793,595, T>G on the plus strand (A>C on the coding strand, the complement: TRPV4 is on the minus strand). VCF-style: chr12-109793595-T-G. GRCh37 (hg19) VCF-style: chr12-110231400-T-G.
Other names: c.1449A>C, p.Lys483Asn (NM_001177428.2); c.1488A>C, p.Lys496Asn (NM_001177431.2); c.1269A>C, p.Lys423Asn (NM_001177433.2); c.1410A>C, p.Lys470Asn (NM_147204.3); short protein forms K470N, K530N, K423N, K483N, K496N.
Identifiers: ClinVar variation 2760497 (VCV002760497.3), dbSNP rs768130865, ClinGen allele CA6780147.

ClinVar aggregate classification (germline): Uncertain significance (1 of 4 stars; one submission).

Conditions:
Charcot-Marie-Tooth disease axonal type 2C (HMSN2C). Also called: Charcot-Marie-Tooth Disease Type 2, TRPV4-Related (CMT2C); CHARCOT-MARIE-TOOTH DISEASE, AXONAL, AUTOSOMAL DOMINANT, TYPE 2C; Charcot-Marie-Tooth Neuropathy Type 2C. Identifiers: Orphanet 99937, MedGen C1853710, MONDO:0011633, OMIM 606071.

Allele frequency attached by ClinVar (database versions not stated): ExAC 0.00001; gnomAD 0.00001; gnomAD exomes 0.00001; TOPMed 0.00001.
gnomAD v4.1: 4 of 1,613,650 alleles (0.00025%); highest among the groups gnomAD compares: Non-Finnish European, 0.00034%; no homozygotes.

Submission:

Labcorp Genetics (formerly Invitae), Labcorp
Classification: Uncertain significance for Charcot-Marie-Tooth disease axonal type 2C. Last evaluated: 2023-09-13. Review status: criteria provided, single submitter. Criteria: Invitae Variant Classification Sherloc (09022015). Collection method: clinical testing. Allele origin: germline.
Comment: This variant is present in population databases (rs768130865, gnomAD 0.002%). This sequence change replaces lysine, which is basic and polar, with asparagine, which is neutral and polar, at codon 530 of the TRPV4 protein (p.Lys530Asn). This variant has not been reported in the literature in individuals affected with TRPV4-related conditions. Advanced modeling of protein sequence and biophysical properties (such as structural, functional, and spatial information, amino acid conservation, physicochemical variation, residue mobility, and thermodynamic stability) has been performed at Invitae for this missense variant, however the output from this modeling did not meet the statistical confidence thresholds required to predict the impact of this variant on TRPV4 protein function. In summary, the available evidence is currently insufficient to determine the role of this variant in disease. Therefore, it has been classified as a Variant of Uncertain Significance.